The following is an entry in ClinVar:

NM_001382273.1(TNK2):c.305C>T (p.Ser102Leu)

Gene: TNK2 (tyrosine kinase non receptor 2; minus strand). Cytogenetic location: 3q29.
Variant type: single nucleotide variant.
Coding change: c.305C>T on transcript NM_001382273.1 (MANE Select); coding-DNA position 305, C replaced by T.
Protein change: p.Ser102Leu; replaces serine 102 with leucine.
Molecular consequence: missense variant. On other transcripts: non-coding transcript variant (15).
Genome position (GRCh38, 1-based): chr3:195,884,963, G>A on the plus strand (C>T on the coding strand, the complement: TNK2 is on the minus strand). VCF-style: chr3-195884963-G-A. GRCh37 (hg19) VCF-style: chr3-195611834-G-A.
Other names: c.377C>T, p.Ser126Leu (NM_001010938.2, NM_001382272.1, NM_001387708.1 and 1 more transcripts); c.401C>T, p.Ser134Leu (NM_001308046.2, NM_001382271.1, NM_001382275.1 and 1 more transcripts); c.305C>T, p.Ser102Leu (NM_001382274.1, NM_001386164.1, NM_001387709.1 and 12 more transcripts); short protein forms S102L, S126L, S134L.
Identifiers: ClinVar variation 3034839 (VCV003034839.2), dbSNP rs144814844, ClinGen allele CA2776900.

ClinVar aggregate classification (germline): Likely benign (0 of 4 stars; one submission).

Conditions:
TNK2-related disorder. Also called: TNK2-related condition.

Allele frequency attached by ClinVar (database versions not stated): gnomAD exomes 0.00003; ExAC 0.00014; 1000 Genomes Project 0.00040; ESP Exome Variant Server 0.00046; 1000 Genomes Project 30x 0.00047; TOPMed 0.00052; gnomAD 0.00054.
gnomAD v4.1: 143 of 1,613,968 alleles (0.0089%); highest among the groups gnomAD compares: African/African-American, 0.16%; no homozygotes.

Submission:

PreventionGenetics, part of Exact Sciences
Classification: Likely benign for TNK2-related condition. Last evaluated: 2022-06-12. Review status: no assertion criteria provided. Collection method: clinical testing. Allele origin: germline.
Comment: This variant is classified as likely benign based on ACMG/AMP sequence variant interpretation guidelines (Richards et al. 2015 PMID: 25741868, with internal and published modifications).